The following is an entry in ClinVar:

ClinVar aggregate classification (germline): Uncertain significance (1 of 4 stars; one submission).

Submission:

CeGaT Center for Human Genetics Tuebingen
Classification: Uncertain significance. Last evaluated: 2025-02-01. Review status: criteria provided, single submitter. Criteria: CeGaT Center For Human Genetics Tuebingen Variant Classification Criteria Version 2. Collection method: clinical testing. Allele origin: germline. Affected: yes. Observed: 1 variant allele.
Comment: ASXL3: PM4:Supporting

NM_030632.3(ASXL3):c.2490_2492del (p.Asn830del)

Gene: ASXL3 (ASXL transcriptional regulator 3; plus strand). Cytogenetic location: 18q12.1.
Variant type: Deletion.
Coding change: c.2490_2492del on transcript NM_030632.3 (MANE Select); coding-DNA positions 2490 to 2492, 3 bases deleted (TAA; older notation c.2490_2492delTAA).
Protein change: p.Asn830del; deletes asparagine 830.
Genome position (GRCh38, 1-based): chr18:33,739,894-33,739,896, TAA deleted; deleting any 3 consecutive bases within chr18:33,739,892-33,739,896 gives the same sequence; the c. name uses the placement nearest the transcript's 3' end. VCF-style (leftmost placement, unchanged base first): chr18-33739891-CAAT-C. GRCh37 (hg19) VCF-style: chr18-31319855-CAAT-C.
Other names: short protein forms N830del.
Identifiers: ClinVar variation 3771527 (VCV003771527.13).